The following is an entry in ClinVar:

ClinVar aggregate classification (germline): Uncertain significance (1 of 4 stars; one submission).

Conditions:
Familial temporal lobe epilepsy 7. Identifiers: Orphanet 101046, MedGen C4225327, MONDO:0014639, OMIM 616436.
Norman-Roberts syndrome (LIS2). Also called: Lissencephaly 2 (Norman-Roberts type). Identifiers: Orphanet 89844, MedGen C0796089, MONDO:0009760, OMIM 257320.

Allele frequency attached by ClinVar (database versions not stated): gnomAD exomes below 0.00001; ExAC 0.00001.
gnomAD v4.1: 6 of 1,614,068 alleles (0.00037%); highest among the groups gnomAD compares: South Asian, 0.0011%; no homozygotes.

Submission:

Labcorp Genetics (formerly Invitae), Labcorp
Classification: Uncertain significance for Familial temporal lobe epilepsy 7; Norman-Roberts syndrome. Last evaluated: 2024-06-17. Review status: criteria provided, single submitter. Criteria: Invitae Variant Classification Sherloc (09022015). Collection method: clinical testing. Allele origin: germline.
Comment: This sequence change replaces asparagine, which is neutral and polar, with serine, which is neutral and polar, at codon 2657 of the RELN protein (p.Asn2657Ser). This variant is present in population databases (rs777618928, gnomAD 0.003%). This variant has not been reported in the literature in individuals affected with RELN-related conditions. ClinVar contains an entry for this variant (Variation ID: 2173029). Advanced modeling of protein sequence and biophysical properties (such as structural, functional, and spatial information, amino acid conservation, physicochemical variation, residue mobility, and thermodynamic stability) performed at Invitae indicates that this missense variant is not expected to disrupt RELN protein function with a negative predictive value of 80%. In summary, the available evidence is currently insufficient to determine the role of this variant in disease. Therefore, it has been classified as a Variant of Uncertain Significance.

NM_005045.4(RELN):c.7970A>G (p.Asn2657Ser)

Gene: RELN (reelin; minus strand). Cytogenetic location: 7q22.1.
Variant type: single nucleotide variant.
Coding change: c.7970A>G on transcript NM_005045.4 (MANE Select); coding-DNA position 7970, A replaced by G.
Protein change: p.Asn2657Ser; replaces asparagine 2657 with serine.
Molecular consequence: missense variant.
Genome position (GRCh38, 1-based): chr7:103,515,334, T>C on the plus strand (A>G on the coding strand, the complement: RELN is on the minus strand). VCF-style: chr7-103515334-T-C. GRCh37 (hg19) VCF-style: chr7-103155781-T-C.
Other names: c.7970A>G, p.Asn2657Ser (NM_173054.3); short protein forms N2657S.
Identifiers: ClinVar variation 2173029 (VCV002173029.4), dbSNP rs777618928, ClinGen allele CA4420597.